The following is an entry in ClinVar:

NM_004415.4(DSP):c.3136G>A (p.Asp1046Asn)

Gene: DSP (desmoplakin; plus strand). Cytogenetic location: 6p24.3.
Variant type: single nucleotide variant.
Coding change: c.3136G>A on transcript NM_004415.4 (MANE Select); coding-DNA position 3136, G replaced by A.
Protein change: p.Asp1046Asn; replaces aspartic acid 1046 with asparagine.
Molecular consequence: missense variant.
Genome position (GRCh38, 1-based): chr6:7,579,326, G>A. VCF-style: chr6-7579326-G-A. GRCh37 (hg19) VCF-style: chr6-7579559-G-A.
Other names: c.3136G>A, p.Asp1046Asn (NM_001008844.3, NM_001319034.2); short protein forms D1046N.
Identifiers: ClinVar variation 922787 (VCV000922787.3), dbSNP rs1759341863, ClinGen allele CA362683072.

ClinVar aggregate classification (germline): Uncertain significance (1 of 4 stars; one submission).

Conditions:
Cardiomyopathy (CMYO). Also called: Cardiomyopathies. Identifiers: Orphanet 167848, MedGen C0878544, MONDO:0004994, HP:0001638. Inheritance: Various modes of inheritance.

Allele frequency attached by ClinVar (database versions not stated): gnomAD 0.00001.
gnomAD v4.1: 2 of 1,614,084 alleles (0.00012%); highest among the groups gnomAD compares: Middle Eastern, 0.016%; no homozygotes.

Submission:

Color Diagnostics, LLC DBA Color Health
Classification: Uncertain significance for Cardiomyopathy. Last evaluated: 2018-12-06. Review status: criteria provided, single submitter. Criteria: ACMG Guidelines, 2015. Collection method: clinical testing. Allele origin: germline.
Comment: Variant of Uncertain Significance due to insufficient evidence: This missense variant replaces aspartic acid with asparagine at codon 1046 of the DSP protein. Computational prediction tools and conservation analyses suggest that this variant may have deleterious impact on the protein function. Computational splicing tools suggest that this variant may not impact RNA splicing. To our knowledge, functional assays have not been performed for this variant nor has this variant been reported in individuals affected with cardiovascular disorders in the literature. This variant is rare in the general population and has been identified in 0/277264 chromosomes by the Genome Aggregation Database (gnomAD). Available evidence is insufficient to determine the pathogenicity of this variant conclusively.